The following is an entry in ClinVar:

ClinVar aggregate classification (germline): Benign/Likely benign. Review status: criteria provided, multiple submitters, no conflicts (2 of 4 stars). 4 submissions from 4 submitters: Benign (1); Likely benign (3). Last evaluated 2024-06-17.

Conditions:
Hereditary cancer-predisposing syndrome. Also called: Tumor predisposition; Neoplastic Syndromes, Hereditary; Hereditary neoplastic syndrome; Hereditary Cancer Syndrome. Identifiers: Orphanet 140162, MedGen C0027672, MeSH D009386, MONDO:0015356.
Familial cancer of breast. Also called: Hereditary breast cancer; hereditary breast carcinoma; BREAST CANCER, FAMILIAL. Identifiers: Orphanet 227535, MedGen C0346153, MONDO:0016419, OMIM 114480. Disease mechanism: loss of function.
Ataxia-telangiectasia syndrome (AT). Also called: Ataxia-telangiectasia, complementation group D; AT, COMPLEMENTATION GROUP C; ATAXIA-TELANGIECTASIA, COMPLEMENTATION GROUP A; ATAXIA-TELANGIECTASIA, FRESNO VARIANT; Ataxia-telangiectasia; Ataxia telangiectasia (A-T). Identifiers: Orphanet 100, MedGen C0004135, MONDO:0008840, OMIM 208900.

Allele frequency attached by ClinVar (database versions not stated): gnomAD exomes below 0.00001.
gnomAD v4.1: 2 of 1,613,288 alleles (0.00012%); highest among the groups gnomAD compares: Non-Finnish European, 0.000085%; no homozygotes.

Submissions (4):

Myriad Genetics, Inc.
Classification: Benign for Familial cancer of breast. Last evaluated: 2024-06-17. Review status: criteria provided, single submitter. Criteria: Myriad Autosomal Dominant, Autosomal Recessive and X-Linked Classification Criteria (2023). Collection method: clinical testing. Allele origin: unknown.
Comment: This variant is considered benign. This variant is a silent/synonymous amino acid change and it is not expected to impact splicing.

Labcorp Genetics (formerly Invitae), Labcorp
Classification: Likely benign for Ataxia-telangiectasia syndrome. Last evaluated: 2024-01-28. Review status: criteria provided, single submitter. Criteria: Invitae Variant Classification Sherloc (09022015). Collection method: clinical testing. Allele origin: germline.

Ambry Genetics
Classification: Likely benign for Hereditary cancer-predisposing syndrome. Last evaluated: 2021-09-05. Review status: criteria provided, single submitter. Criteria: Ambry Variant Classification Scheme 2023. Collection method: clinical testing. Allele origin: germline.

Color Diagnostics, LLC DBA Color Health
Classification: Likely benign for Hereditary cancer-predisposing syndrome. Last evaluated: 2020-01-27. Review status: criteria provided, single submitter. Criteria: ACMG Guidelines, 2015. Collection method: clinical testing. Allele origin: germline.

NM_000051.4(ATM):c.7881T>C (p.Tyr2627=)

Genes: ATM (ATM serine/threonine kinase; plus strand), C11orf65 (chromosome 11 open reading frame 65; minus strand). Cytogenetic location: 11q22.3.
Variant type: single nucleotide variant.
Coding change: c.7881T>C on transcript NM_000051.4 (MANE Select); coding-DNA position 7881, T replaced by C.
Protein change: p.Tyr2627=; no amino-acid change (tyrosine 2627 retained).
Molecular consequence: synonymous variant. On other transcripts: intron variant (2).
Genome position (GRCh38, 1-based): chr11:108,332,854, T>C. VCF-style: chr11-108332854-T-C. GRCh37 (hg19) VCF-style: chr11-108203581-T-C.
Other names: c.7881T>C, p.Tyr2627= (NM_001351834.2); c.641-23783A>G (NM_001330368.2); c.*38+2366A>G (NM_001351110.2).
Identifiers: ClinVar variation 919883 (VCV000919883.10), dbSNP rs2086423868, ClinGen allele CA476677427.